The following is an entry in ClinVar:

ClinVar aggregate classification (germline): Uncertain significance (1 of 4 stars; one submission).

Conditions:
Fanconi anemia (FA). Also called: Fanconi's anemia. Identifiers: Orphanet 84, MedGen C0015625, MeSH D005199, MONDO:0019391.

Submission:

Labcorp Genetics (formerly Invitae), Labcorp
Classification: Uncertain significance for Fanconi anemia. Last evaluated: 2022-10-25. Review status: criteria provided, single submitter. Criteria: Invitae Variant Classification Sherloc (09022015). Collection method: clinical testing. Allele origin: germline.
Comment: This sequence change replaces glutamic acid, which is acidic and polar, with glycine, which is neutral and non-polar, at codon 42 of the FANCD2 protein (p.Glu42Gly). This variant is not present in population databases (gnomAD no frequency). This variant has not been reported in the literature in individuals affected with FANCD2-related conditions. Advanced modeling of protein sequence and biophysical properties (such as structural, functional, and spatial information, amino acid conservation, physicochemical variation, residue mobility, and thermodynamic stability) performed at Invitae indicates that this missense variant is not expected to disrupt FANCD2 protein function. In summary, the available evidence is currently insufficient to determine the role of this variant in disease. Therefore, it has been classified as a Variant of Uncertain Significance.

NM_001018115.3(FANCD2):c.125A>G (p.Glu42Gly)

Genes: FANCD2 (FA complementation group D2; plus strand), LOC107303338 (3p25 FANCD2 Alu-mediated recombination region; plus strand). Cytogenetic location: 3p25.3.
Variant type: single nucleotide variant.
Coding change: c.125A>G on transcript NM_001018115.3 (MANE Select); coding-DNA position 125, A replaced by G.
Protein change: p.Glu42Gly; replaces glutamic acid 42 with glycine.
Molecular consequence: missense variant.
Genome position (GRCh38, 1-based): chr3:10,032,892, A>G. VCF-style: chr3-10032892-A-G. GRCh37 (hg19) VCF-style: chr3-10074576-A-G.
Other names: c.125A>G, p.Glu42Gly (NM_001319984.2, NM_001374253.1, NM_001374254.1 and 2 more transcripts); short protein forms E42G.
Identifiers: ClinVar variation 2171356 (VCV002171356.4), dbSNP rs2470709095, ClinGen allele CA351718273.